The following is an entry in ClinVar:

ClinVar aggregate classification (germline): Pathogenic. Review status: reviewed by expert panel (3 of 4 stars). 17 submissions from 17 submitters: Pathogenic (1). 16 of the submissions do not count toward it. Last evaluated 2024-02-20.

Conditions:
RPE65-related recessive retinopathy. Also called: Recessive RPE65 retinopathy. Identifiers: MedGen CN305526, MONDO:0100368.
Retinitis pigmentosa 87 with choroidal involvement. Identifiers: MedGen C5231465, MONDO:0032873, OMIM 618697.
Retinitis pigmentosa 20 (RP20). Identifiers: Orphanet 791, MedGen C3151086, MONDO:0013425, OMIM 613794.
Leber congenital amaurosis 2 (LCA2). Also called: AMAUROSIS CONGENITA OF LEBER II; Autosomal Recessive RPE65-Related Retinal Degeneration. Identifiers: Orphanet 65, MedGen C1859844, MONDO:0008765, OMIM 204100. Disease mechanism: loss of function.
RPE65-related disorder. Also called: RPE65-related condition; RPE65-related disorders. Identifiers: MedGen CN239301.
Retinal dystrophy. Also called: Inherited retinal dystrophy. Identifiers: Orphanet 71862, MedGen C0854723, MeSH D058499, MONDO:0019118, HP:0000556.
Leber congenital amaurosis (LCA). Also called: Leber's amaurosis. Identifiers: Orphanet 65, MedGen C0339527, MeSH D057130, MONDO:0018998.

Allele frequency attached by ClinVar (database versions not stated): gnomAD 0.00001 and 0.00002; gnomAD exomes 0.00001; TOPMed 0.00004.
gnomAD v4.1: 11 of 1,613,488 alleles (0.00068%); highest among the groups gnomAD compares: Admixed American, 0.0083%; no homozygotes.

Submissions 1 to 10 of 17:

ClinGen Leber Congenital Amaurosis/early Onset Retinal Dystrophy Variant Curation Expert Panel, ClinGen
Classification: Pathogenic for RPE65-related recessive retinopathy. Last evaluated: 2024-02-20. Review status: reviewed by expert panel. Criteria: ClinGen LCAeoRD ACMG Specifications RPE65 V1.0.0. Collection method: curation. Allele origin: germline. Inheritance: Autosomal recessive inheritance.
Comment: The NM_000329.3(RPE65):c.1022T>C (p.Leu341Ser) missense variant replaces the leucine at position 341 with serine and has been reported in several patients. At least one patient (analyzed on a 100+ retinal dystrophy gene panel testing (2 pt) in PMID: 23847139) who displayed a non-detectable ERG (2 pt), visual acuity 20/400 OD and OS (1 pt), visual field of central island only (1 pt), nystagmus (1 pt), nyctalopia (1 pt), and no pigment in peripheral retina, which is highly specific for RPE65 retinopathy (PP4_Moderate). One patient was compound heterozygous for this variant and a pathogenic pathogenic variant (c.1205_1206insCCTG classified Pathogenic by the LCA/eoRD VCEP) confirmed in trans by parental testing (PMID: 9501220) and two probands were homozygous for the variant (PMID: 9501220, PMID: 15837919) (PM3_strong). The variant has been reported to segregate with RPE65 retinopathy (confirmed by absent or severely decreased rod electroretinogram response) in the proband plus 3 affected family members, all with the compound heterozygous genotype of Leu341Ser and c.1205_1206insCCTG variants. (PP1_strong; PMID: 9501220). The computational predictor REVEL gives a score of 0.988 and predicts a damaging effect on RPE65 function (PP3_Moderate). This variant is absent from gnomAD v2.1.1 and has a Grpmax Filtering AF of 0.00005290 in gnomAD v.3.1.2 (PM2_Supporting). In summary, this variant meets the criteria to be classified as pathogenic for RPE65-related recessive retinopathy based on the ACMG/AMP criteria applied, as specified by the ClinGen LCA/eoRD VCEP: PP1_strong, PM3_strong, PP3_Moderate, PP4_Moderate, PM2_supporting. (VCEP specifications version 1.0.0; date of approval 09/21/2023).

Labcorp Genetics (formerly Invitae), Labcorp
Classification: Pathogenic for Leber congenital amaurosis 2; Retinitis pigmentosa 20. Last evaluated: 2026-01-17. Review status: criteria provided, single submitter. Criteria: Invitae Variant Classification Sherloc (09022015). Collection method: clinical testing. Allele origin: germline. Not counted in ClinVar's aggregate classification.
Comment: This sequence change replaces leucine, which is neutral and non-polar, with serine, which is neutral and polar, at codon 341 of the RPE65 protein (p.Leu341Ser). This variant is not present in population databases (gnomAD no frequency). This missense change has been observed in individual(s) with Leber congenital amaurosis or retinitis pigmentosa (PMID: 9501220, 18539930, 19854499, 20079931, 20683928). It has also been observed to segregate with disease in related individuals. ClinVar contains an entry for this variant (Variation ID: 13118). Invitae Evidence Modeling of protein sequence and biophysical properties (such as structural, functional, and spatial information, amino acid conservation, physicochemical variation, residue mobility, and thermodynamic stability) indicates that this missense variant is expected to disrupt RPE65 protein function with a positive predictive value of 95%. For these reasons, this variant has been classified as Pathogenic.

Natera, Inc.
Classification: Pathogenic for Leber congenital amaurosis. Last evaluated: 2025-08-19. Review status: criteria provided, single submitter. Criteria: Natera Variant Classification Schema (03/2026). Collection method: clinical testing. Allele origin: germline. Not counted in ClinVar's aggregate classification.
Comment: The c.1022T>C variant in RPE65 is a missense variant predicted to cause substitution of leucine to serine at amino acid 341. This variant is rare in the general population with a frequency below the threshold expected for the associated phenotype(s). This variant has been observed in one or more individuals affected with the associated recessive disease, as either homozygous or compound heterozygous with a second variant (PMID: 23847139, 21153841). Computational prediction algorithms indicate this variant is likely to affect gene or protein function. Given the available evidence, this variant is classified as Pathogenic.

PreventionGenetics, part of Exact Sciences
Classification: Pathogenic for RPE65-related condition. Last evaluated: 2025-03-31. Review status: criteria provided, single submitter. Criteria: ACMG Guidelines, 2015. Collection method: clinical testing. Allele origin: germline. Not counted in ClinVar's aggregate classification.
Comment: The RPE65 c.1022T>C variant is predicted to result in the amino acid substitution p.Leu341Ser. This variant has been reported, in the homozygous state or in the heterozygous state along with a second known or potentially causative variant, in individuals with retinal disorders (Morimura et al. 1998. PubMed ID: 9501220; Jacobson et al. 2009. PubMed ID: 19117922; Maguire et al. 2009. PubMed ID: 19854499; Chung et al. 2018. PubMed ID: 30268864; Sallum et al. 2020. PubMed ID: 32865313; Table S2, Peter et al. 2023. PubMed ID: 36909829). This variant has not been reported in gnomAD, indicating this variant is rare. This variant has been classified as pathogenic by multiple independent submitters to the ClinVar database. Taken together, the c.1022T>C (p.Leu341Ser) variant is interpreted as pathogenic.

Women's Health and Genetics/Laboratory Corporation of America, LabCorp
Classification: Pathogenic for Leber congenital amaurosis. Last evaluated: 2024-10-14. Review status: criteria provided, single submitter. Criteria: LabCorp Variant Classification Summary - May 2015. Collection method: clinical testing. Allele origin: germline. Not counted in ClinVar's aggregate classification.
Comment: Variant summary: RPE65 c.1022T>C (p.Leu341Ser) results in a non-conservative amino acid change in the encoded protein sequence. Five of five in-silico tools predict a damaging effect of the variant on protein function. The variant was absent in 250484 control chromosomes. c.1022T>C has been reported in the literature in multiple individuals affected with Retinitis pigmentosa (Morimura_1998). These data indicate that the variant is very likely to be associated with disease. The following publication have been ascertained in the context of this evaluation (PMID: 9501220). ClinVar contains an entry for this variant (Variation ID: 13118). Based on the evidence outlined above, the variant was classified as pathogenic.

Fulgent Genetics
Classification: Pathogenic for Leber congenital amaurosis 2; Retinitis pigmentosa 20; Retinitis pigmentosa 87 with choroidal involvement. Last evaluated: 2024-05-02. Review status: criteria provided, single submitter. Criteria: ACMG Guidelines, 2015. Collection method: clinical testing. Allele origin: germline. Not counted in ClinVar's aggregate classification.

Baylor Genetics
Classification: Pathogenic for Leber congenital amaurosis 2. Last evaluated: 2023-12-30. Review status: criteria provided, single submitter. Criteria: ACMG Guidelines, 2015. Collection method: clinical testing. Allele origin: unknown. Not counted in ClinVar's aggregate classification.

Blueprint Genetics
Classification: Pathogenic for RPE65-related disorders. Last evaluated: 2023-12-21. Review status: criteria provided, single submitter. Criteria: ACMG Guidelines, 2015. Collection method: clinical testing. Allele origin: germline. Affected: yes. Observed: 5 variant alleles. Not counted in ClinVar's aggregate classification.

3billion
Classification: Pathogenic for Leber congenital amaurosis 2. Last evaluated: 2023-11-09. Review status: criteria provided, single submitter. Criteria: ACMG Guidelines, 2015. Collection method: clinical testing. Allele origin: germline. Affected: yes. Not counted in ClinVar's aggregate classification.
Comment: The variant is not observed in the gnomAD v2.1.1 dataset. Predicted Consequence/Location: Missense variant In silico tool predictions suggest damaging effect of the variant on gene or gene product [REVEL: 0.88 (>=0.6, sensitivity 0.68 and specificity 0.92); 3Cnet: 0.94 (>=0.6, sensitivity 0.72 and precision 0.9)]. Same nucleotide change resulting in same amino acid change has been previously reported as pathogenic/likely pathogenic with strong evidence (ClinVar ID: VCV000013118 /PMID: 9501220 /3billion dataset). The variant is in trans with the other variant. The variant has been reported to co-segregate with the disease in at least 3 similarly affected relatives/individuals in the same family or similarly affected unrelated family (PMID: 9501220). Therefore, this variant is classified as Pathogenic according to the recommendation of ACMG/AMP guideline.

Ophthalmic Genetics Group, Institute of Molecular and Clinical Ophthalmology Basel
Classification: Likely pathogenic for Leber congenital amaurosis. Last evaluated: 2023-07-24. Review status: criteria provided, single submitter. Criteria: ACMG Guidelines, 2015. Collection method: research. Allele origin: germline. Affected: yes. Observed: 4 variant alleles. Not counted in ClinVar's aggregate classification.
Comment: Clinical significance based on ACMG v2.0

This variant was classified as Likely pathogenic based on ACMG criteria: PP5, PM2, PP3, PM1, PP2.

NM_000329.3(RPE65):c.1022T>C (p.Leu341Ser)

Gene: RPE65 (retinoid isomerohydrolase RPE65; minus strand). Cytogenetic location: 1p31.3.
Variant type: single nucleotide variant.
Coding change: c.1022T>C on transcript NM_000329.3 (MANE Select); coding-DNA position 1022, T replaced by C.
Protein change: p.Leu341Ser; replaces leucine 341 with serine.
Molecular consequence: missense variant.
Genome position (GRCh38, 1-based): chr1:68,438,293, A>G on the plus strand (T>C on the coding strand, the complement: RPE65 is on the minus strand). VCF-style: chr1-68438293-A-G. GRCh37 (hg19) VCF-style: chr1-68903976-A-G.
Other names: NP_000320.1:p.(Leu341Ser); NM_000329.3(RPE65):c.1022T>C; short protein forms L341S.
Identifiers: ClinVar variation 13118 (VCV000013118.28), dbSNP rs61752909, ClinGen allele CA226472.